The following continues an entry in ClinVar:

NM_015506.3(MMACHC):c.440G>C (p.Gly147Ala)

Gene: MMACHC. ClinVar aggregate classification (germline): Pathogenic/Likely pathogenic. Pathogenic (15); Likely pathogenic (5).

Submissions 11 to 25 of 25:

Women's Health and Genetics/Laboratory Corporation of America, LabCorp
Classification: Pathogenic for Cobalamin C disease. Last evaluated: 2021-08-19. Review status: criteria provided, single submitter. Criteria: LabCorp Variant Classification Summary - May 2015. Collection method: clinical testing. Allele origin: germline.
Comment: Variant summary: MMACHC c.440G>C (p.Gly147Ala) results in a non-conservative amino acid change in the encoded protein sequence. Five of five in-silico tools predict a damaging effect of the variant on protein function. The variant allele was found at a frequency of 0.00033 in 249064 control chromosomes (gnomAD and publication data). This frequency is lower than the maximum expected for a pathogenic variant in MMACHC causing Cobalamin C Disease (Methylmalonic Aciduria with Homocystinuria) (0.00033 vs 0.0031), allowing no conclusion about variant significance. The variant, c.440G>C, has been reported in the literature in multiple homozygous- and compound heterozygous individuals affected with Cobalamin C Disease (Methylmalonic Aciduria with Homocystinuria, e.g. Lerner-Ellis_2006, Thauvin-Robinet_2008, Lerner-Ellis_2009, Scolamiero_2015). These data indicate that the variant is very likely to be associated with disease. To our knowledge, no experimental evidence demonstrating an impact on protein function has been reported. Another missense change affecting the same residue (Gly147Asp) is a known pathogenic variant, suggesting that Gly147 is critical for protein function. Ten clinical diagnostic laboratories have submitted clinical-significance assessments for this variant to ClinVar after 2014 without evidence for independent evaluation. All laboratories classified the variant as pathogenic/likely pathogenic. Based on the evidence outlined above, the variant was classified as pathogenic.

Genome-Nilou Lab
Classification: Pathogenic for Cobalamin C disease. Last evaluated: 2021-07-22. Review status: criteria provided, single submitter. Criteria: ACMG Guidelines, 2015. Collection method: clinical testing. Allele origin: germline. Affected: no.

Mayo Clinic Laboratories, Mayo Clinic
Classification: Likely pathogenic. Last evaluated: 2020-04-20. Review status: criteria provided, single submitter. Criteria: ACMG Guidelines, 2015. Collection method: clinical testing. Allele origin: germline. Observed: 1 variant allele.
Comment: PS4_moderate, PM2, PM5, PP3, PP5

Genetics and Molecular Pathology, SA Pathology
Classification: Likely pathogenic for Cobalamin C disease. Last evaluated: 2019-12-30. Review status: criteria provided, single submitter. Criteria: ACMG Guidelines, 2015. Collection method: clinical testing. Allele origin: germline. Inheritance: Autosomal recessive inheritance. Affected: yes.

Myriad Genetics, Inc.
Classification: Likely pathogenic for Cobalamin C disease. Last evaluated: 2019-12-17. Review status: criteria provided, single submitter. Criteria: Myriad Women's Health Autosomal Recessive and X-Linked Classification Criteria (2019). Collection method: clinical testing. Allele origin: unknown.
Comment: NM_015506.2(MMACHC):c.440G>C(G147A) is classified as likely pathogenic in the context of methylmalonic aciduria and homocystinuria, cblC type. Sources cited for classification include the following: PMID 26825575, 19370762 and 25689098. Classification of NM_015506.2(MMACHC):c.440G>C(G147A) is based on the following criteria: This variant has been observed more frequently in patients with clinical diagnoses than in healthy populations. Please note: this variant was assessed in the context of healthy population screening.

Fulgent Genetics
Classification: Pathogenic for Cobalamin C disease. Last evaluated: 2018-10-31. Review status: criteria provided, single submitter. Criteria: ACMG Guidelines, 2015. Collection method: clinical testing. Allele origin: unknown.

Genomic Research Center, Shahid Beheshti University of Medical Sciences
Classification: Pathogenic for Cobalamin C disease. Last evaluated: 2017-12-03. Review status: criteria provided, single submitter. Criteria: ACMG Guidelines, 2015. Collection method: clinical testing. Allele origin: inherited. Affected: yes.

Illumina Laboratory Services, Illumina
Classification: Likely pathogenic for Disorders of Intracellular Cobalamin Metabolism. Last evaluated: 2017-04-27. Review status: criteria provided, single submitter. Criteria: ICSL Variant Classification Criteria 09 May 2019. Collection method: clinical testing. Allele origin: germline.
Comment: The MMACHC c.440G>C (p.Gly147Ala) missense variant has been reported in five studies in which it is found in at least five individuals with the cblC type of disorders of intracellular cobalamin metabolism, including in two in a homozygous state and in three in a compound heterozygous state (Lerner-Ellis et al. 2006; Morel et al. 2006; Lerner-Ellis et al. 2009; Yamamoto et al. 2015; Brookes et al. 2016). The variant was also found in one asymptomatic individual identified through newborn screening (Scolamiero et al. 2015). The p.Gly147Ala variant was absent from 155 control samples but is reported at a frequency of 0.00073 in the European (non-Finnish) population of the Exome Aggregation Consortium. Based on the evidence from the literature the p.Gly147Ala variant is classified as likely pathogenic for disorders of intracellular cobalamin metabolism. This variant was observed by ICSL as part of a predisposition screen in an ostensibly healthy population.

CeGaT Center for Human Genetics Tuebingen
Classification: Pathogenic. Last evaluated: 2017-03-01. Review status: criteria provided, single submitter. Criteria: CeGaT Center For Human Genetics Tuebingen Variant Classification Criteria Version 2. Collection method: clinical testing. Allele origin: germline. Affected: yes. Observed: 1 variant allele.

Kariminejad - Najmabadi Pathology & Genetics Center
Classification: Likely pathogenic for Cobalamin C disease. Review status: criteria provided, single submitter. Criteria: ACMG Guidelines, 2015. Collection method: clinical testing. Allele origin: germline. Affected: no.

PreventionGenetics, part of Exact Sciences
Classification: Pathogenic for MMACHC-related condition. Last evaluated: 2024-04-23. Review status: no assertion criteria provided. Collection method: clinical testing. Allele origin: germline. Not counted in ClinVar's aggregate classification.
Comment: The MMACHC c.440G>C variant is predicted to result in the amino acid substitution p.Gly147Ala. This variant has been reported in individuals with confirmed methylmalonic aciduria, cblC type, without additional genetic information provided (Lerner-Ellis et al. 2006. PubMed ID: 16311595). It has also been reported in the homozygous state or compound heterozygous state with a second pathogenic variant in patients with confirmed methylmalonic aciduria, cblC type. Several of the reported patients, including one homozygote, presented with a later-onset form of disease, suggesting this variant may have a milder effect (Morel et al. 2006. PubMed ID: 16714133; Thauvin-Robinet et al. 2008. PubMed ID: 18245139; Scolamiero et al. 2015. PubMed ID: 25689098; Brooks et al. 2016. PubMed ID: 26825575). An alternative substitution at the same amino acid (p.Gly147Asp) has been reported to be causative for methylmalonic aciduria, cblC type (Lerner-Ellis et al. 2006. PubMed ID: 16311595). This variant is reported in 0.065% of alleles in individuals of Latino descent in gnomAD and interpreted as likely pathogenic or pathogenic by multiple submitters to ClinVar. Taken together, this variant is interpreted as pathogenic.

Diagnostic Laboratory, Department of Genetics, University Medical Center Groningen
Classification: Pathogenic. Review status: no assertion criteria provided. Collection method: clinical testing. Allele origin: germline. Affected: yes. Study: VKGL Data-share Consensus. Not counted in ClinVar's aggregate classification.

GeneReviews
No classification provided. Condition: Disorders of Intracellular Cobalamin Metabolism. Review status: no classification provided. Collection method: literature only. Allele origin: germline. Not counted in ClinVar's aggregate classification.

Genome Diagnostics Laboratory, Amsterdam University Medical Center
Classification: Likely pathogenic. Review status: no assertion criteria provided. Collection method: clinical testing. Allele origin: germline. Affected: yes. Study: VKGL Data-share Consensus. Not counted in ClinVar's aggregate classification.

Joint Genome Diagnostic Labs from Nijmegen and Maastricht, Radboudumc and MUMC+
Classification: Likely pathogenic. Review status: no assertion criteria provided. Collection method: clinical testing. Allele origin: germline. Affected: yes. Study: VKGL Data-share Consensus. Not counted in ClinVar's aggregate classification.

Literature cited by the submitters: PubMed 19370762 (cited by 8 submitters); PubMed 25689098 (cited by 8 submitters); PubMed 26825575 (cited by 9 submitters); PubMed 19700356 (cited by Labcorp Genetics (formerly Invitae), Labcorp); PubMed 21697092 (cited by Otogenetics); PubMed 40441036 (cited by Otogenetics); PubMed 11261516 (cited by 4 submitters); PubMed 16311595 (cited by 6 submitters); PubMed 25672861 (cited by 4 submitters); PubMed 16714133 (cited by 5 submitters); PubMed 34356170 (cited by Victorian Clinical Genetics Services, Murdoch Childrens Research Institute and Ambry Genetics); PubMed 17853453 (cited by Women's Health and Genetics/Laboratory Corporation of America, LabCorp and Mayo Clinic Laboratories, Mayo Clinic); PubMed 18245139 (cited by Women's Health and Genetics/Laboratory Corporation of America, LabCorp and Mayo Clinic Laboratories, Mayo Clinic); PubMed 25398587 (cited by Women's Health and Genetics/Laboratory Corporation of America, LabCorp and Mayo Clinic Laboratories, Mayo Clinic); PubMed 26990548 (cited by Women's Health and Genetics/Laboratory Corporation of America, LabCorp).